The following is an entry in ClinVar:

NM_176824.3(BBS7):c.632C>G (p.Thr211Arg)

Gene: BBS7 (Bardet-Biedl syndrome 7; minus strand). Cytogenetic location: 4q27.
Variant type: single nucleotide variant.
Coding change: c.632C>G on transcript NM_176824.3 (MANE Select); coding-DNA position 632, C replaced by G.
Protein change: p.Thr211Arg; replaces threonine 211 with arginine.
Molecular consequence: missense variant.
Genome position (GRCh38, 1-based): chr4:121,854,790, G>C on the plus strand (C>G on the coding strand, the complement: BBS7 is on the minus strand). VCF-style: chr4-121854790-G-C. GRCh37 (hg19) VCF-style: chr4-122775945-G-C.
Other names: c.632C>G, p.Thr211Arg (NM_018190.4); short protein forms T211R.
Identifiers: ClinVar variation 1376944 (VCV001376944.6), dbSNP rs119466002, ClinGen allele CA358066119.

ClinVar aggregate classification (germline): Uncertain significance (1 of 4 stars; one submission).

Conditions:
Bardet-Biedl syndrome (BBS). Identifiers: Orphanet 110, MedGen C0752166, MONDO:0015229.

Submission:

Labcorp Genetics (formerly Invitae), Labcorp
Classification: Uncertain significance for Bardet-Biedl syndrome. Last evaluated: 2021-08-22. Review status: criteria provided, single submitter. Criteria: Invitae Variant Classification Sherloc (09022015). Collection method: clinical testing. Allele origin: germline.
Comment: This variant disrupts the p.Thr211 amino acid residue in BBS7. Other variant(s) that disrupt this residue have been determined to be pathogenic (PMID: 12567324, 21642631). This suggests that this residue is clinically significant, and that variants that disrupt this residue are likely to be disease-causing. In summary, the available evidence is currently insufficient to determine the role of this variant in disease. Therefore, it has been classified as a Variant of Uncertain Significance. Algorithms developed to predict the effect of missense changes on protein structure and function are either unavailable or do not agree on the potential impact of this missense change (SIFT: "Deleterious"; PolyPhen-2: "Probably Damaging"; Align-GVGD: "Class C0"). This variant has not been reported in the literature in individuals affected with BBS7-related conditions. This variant is not present in population databases (ExAC no frequency). This sequence change replaces threonine with arginine at codon 211 of the BBS7 protein (p.Thr211Arg). The threonine residue is highly conserved and there is a moderate physicochemical difference between threonine and arginine.

Literature cited by the submitters: PubMed 12567324; PubMed 21642631.